The following is an entry in ClinVar:

ClinVar aggregate classification (germline): Uncertain significance (1 of 4 stars; one submission).

Submission:

Labcorp Genetics (formerly Invitae), Labcorp
Classification: Uncertain significance. Last evaluated: 2022-01-15. Review status: criteria provided, single submitter. Criteria: Invitae Variant Classification Sherloc (09022015). Collection method: clinical testing. Allele origin: germline.
Comment: This sequence change replaces methionine, which is neutral and non-polar, with isoleucine, which is neutral and non-polar, at codon 540 of the MYH3 protein (p.Met540Ile). This variant is not present in population databases (gnomAD no frequency). This variant has not been reported in the literature in individuals affected with MYH3-related conditions. Algorithms developed to predict the effect of missense changes on protein structure and function are either unavailable or do not agree on the potential impact of this missense change (SIFT: "Deleterious"; PolyPhen-2: "Probably Damaging"; Align-GVGD: "Class C0"). In summary, the available evidence is currently insufficient to determine the role of this variant in disease. Therefore, it has been classified as a Variant of Uncertain Significance.

NM_002470.4(MYH3):c.1620G>A (p.Met540Ile)

Gene: MYH3 (myosin heavy chain 3; minus strand). Cytogenetic location: 17p13.1.
Variant type: single nucleotide variant.
Coding change: c.1620G>A on transcript NM_002470.4 (MANE Select); coding-DNA position 1620, G replaced by A.
Protein change: p.Met540Ile; replaces methionine 540 with isoleucine.
Molecular consequence: missense variant.
Genome position (GRCh38, 1-based): chr17:10,642,685, C>T on the plus strand (G>A on the coding strand, the complement: MYH3 is on the minus strand). VCF-style: chr17-10642685-C-T. GRCh37 (hg19) VCF-style: chr17-10546002-C-T.
Other names: short protein forms M540I.
Identifiers: ClinVar variation 1359687 (VCV001359687.8), dbSNP rs2142404945, ClinGen allele CA398172096.